The following is an entry in ClinVar:

ClinVar aggregate classification (germline): Likely pathogenic (1 of 4 stars; one submission).

Conditions:
Lynch syndrome 4 (LYNCH4). Also called: Colorectal cancer, hereditary nonpolyposis, type 4; Hereditary non-polyposis colorectal cancer, type 4. Identifiers: Orphanet 144, MedGen C1838333, MONDO:0013699, OMIM 614337. Disease mechanism: loss of function.

Submission:

Myriad Genetics, Inc.
Classification: Likely pathogenic for Lynch syndrome 4. Last evaluated: 2026-03-11. Review status: criteria provided, single submitter. Criteria: Myriad Autosomal Dominant, Autosomal Recessive and X-Linked Classification Criteria (2023). Collection method: clinical testing. Allele origin: unknown.
Comment: This variant is considered likely pathogenic. mRNA analysis has demonstrated abnormal mRNA splicing occurs [Myriad internal data].

NM_000535.7(PMS2):c.353+4A>T

Gene: PMS2 (PMS1 homolog 2, mismatch repair system component; minus strand). Cytogenetic location: 7p22.1.
Variant type: single nucleotide variant.
Coding change: c.353+4A>T on transcript NM_000535.7 (MANE Select); 4 bases into the intron after coding-DNA position 353, A replaced by T.
Molecular consequence: intron variant.
Genome position (GRCh38, 1-based): chr7:6,003,686, T>A on the plus strand (A>T on the coding strand, the complement: PMS2 is on the minus strand). VCF-style: chr7-6003686-T-A. GRCh37 (hg19) VCF-style: chr7-6043317-T-A.
Other names: c.-53+4A>T (NM_001322010.2, NM_001322004.2, NM_001322013.2 and 13 more transcripts); c.-132+4A>T (NM_001406879.1, NM_001322015.2, NM_001406878.1 and 3 more transcripts); c.35+286A>T (NM_001406902.1, NM_001406883.1, NM_001406901.1 and 4 more transcripts); c.-53+57A>T (NM_001406904.1, NM_001406889.1, NM_001406909.1 and 6 more transcripts); c.-532+4A>T (NM_001322012.2, NM_001322011.2); c.-52-1050A>T (NM_001406896.1); c.250+286A>T (NM_001406885.1); c.-132+286A>T (NM_001406900.1, NM_001406881.1); and 5 more.
Identifiers: ClinVar variation 4856773 (VCV004856773.1).